The following is an entry in ClinVar:

ClinVar aggregate classification (germline): Benign/Likely benign. Review status: criteria provided, multiple submitters, no conflicts (2 of 4 stars). 2 submissions from 2 submitters: Benign (1); Likely benign (1). Last evaluated 2024-06-24.

Conditions:
Familial cancer of breast. Also called: BREAST CANCER, FAMILIAL; Hereditary breast cancer; hereditary breast carcinoma. Identifiers: Orphanet 227535, MedGen C0346153, MONDO:0016419, OMIM 114480. Disease mechanism: loss of function.
Ataxia-telangiectasia syndrome (AT). Also called: LOUIS-BAR SYNDROME; Cerebello-oculocutaneous telangiectasia; Immunodeficiency with ataxia telangiectasia; Ataxia telangiectasia (A-T); Ataxia-telangiectasia, complementation group D; AT, COMPLEMENTATION GROUP C. Identifiers: Orphanet 100, MedGen C0004135, MONDO:0008840, OMIM 208900.

Submissions (2):

Myriad Genetics, Inc.
Classification: Benign for Familial cancer of breast. Last evaluated: 2024-06-24. Review status: criteria provided, single submitter. Criteria: Myriad Autosomal Dominant, Autosomal Recessive and X-Linked Classification Criteria (2023). Collection method: clinical testing. Allele origin: unknown.
Comment: This variant is considered benign. This variant is a silent/synonymous amino acid change and it is not expected to impact splicing.

Labcorp Genetics (formerly Invitae), Labcorp
Classification: Likely benign for Ataxia-telangiectasia syndrome. Last evaluated: 2021-10-09. Review status: criteria provided, single submitter. Criteria: Invitae Variant Classification Sherloc (09022015). Collection method: clinical testing. Allele origin: germline.

NM_000051.4(ATM):c.8982T>C (p.Asn2994=)

Genes: ATM (ATM serine/threonine kinase; plus strand), C11orf65 (chromosome 11 open reading frame 65; minus strand). Cytogenetic location: 11q22.3.
Variant type: single nucleotide variant.
Coding change: c.8982T>C on transcript NM_000051.4 (MANE Select); coding-DNA position 8982, T replaced by C.
Protein change: p.Asn2994=; no amino-acid change (asparagine 2994 retained).
Molecular consequence: synonymous variant. On other transcripts: intron variant (2).
Genome position (GRCh38, 1-based): chr11:108,365,213, T>C. VCF-style: chr11-108365213-T-C. GRCh37 (hg19) VCF-style: chr11-108235940-T-C.
Other names: c.694+20707A>G (NM_001351110.2); c.8982T>C, p.Asn2994= (NM_001351834.2); c.640+20707A>G (NM_001330368.2).
Identifiers: ClinVar variation 1609271 (VCV001609271.10), dbSNP rs2137888159, ClinGen allele CA476745456.